The following is an entry in ClinVar:

ClinVar aggregate classification (germline): Pathogenic (0 of 4 stars; one submission).

Conditions:
Coffin-Siris syndrome 1 (CSS1). Also called: Mental retardation, autosomal dominant 12; ARID1B-Related Coffin-Siris Syndrome. Identifiers: Orphanet 1465, MedGen C3281201, MONDO:0007617, OMIM 135900. Disease mechanism: gain of function.

Submission:

Department of Rehabilitation, Anhui Provincial Children's Hospital
Classification: Pathogenic for Coffin-Siris syndrome 1. Last evaluated: 2023-01-31. Review status: no assertion criteria provided. Collection method: clinical testing. Allele origin: de novo. Affected: yes.
Comment: The c.2247+1G>C variant in the ARID1B gene is a splice-site mutation that may lead to abnormal splicing and affect gene function.

NM_001374828.1(ARID1B):c.2247+1G>C

Gene: ARID1B (AT-rich interaction domain 1B; plus strand). Cytogenetic location: 6q25.3.
Variant type: single nucleotide variant.
Coding change: c.2247+1G>C on transcript NM_001374828.1 (MANE Select); the canonical splice donor site of the intron after coding-DNA position 2247, G replaced by C.
Molecular consequence: splice donor variant.
Genome position (GRCh38, 1-based): chr6:156,935,577, G>C. VCF-style: chr6-156935577-G-C. GRCh37 (hg19) VCF-style: chr6-157256711-G-C.
Other names: c.2286+1G>C (NM_001371656.1, NM_001374820.1); c.2247+1G>C (NM_017519.3).
Identifiers: ClinVar variation 3900666 (VCV003900666.1).
Genomic context (GRCh38, chr6:156,935,577, plus strand): 5'-GGAAAACCTAACCATGAAGACTTGAACTTAATACAGCAAGAAAGACCATCAAGTTTACCA[G>C]TAAGACATTATTGTGCTGATTTGGAAATGTAATGAGTTAAAGACTTTTAGAAAGAGCTGT-3'